The following is an entry in ClinVar:

ClinVar aggregate classification (germline): Uncertain significance (1 of 4 stars; one submission).

Conditions:
CHARGE syndrome (CHARGE). Also called: Hittner Hirsch Kreh syndrome; CHARGE ASSOCIATION--COLOBOMA, HEART ANOMALY, CHOANAL ATRESIA, RETARDATION, GENITAL AND EAR ANOMALIES; Coloboma, heart anomaly, choanal atresia, retardation, genital and ear anomalies; CHARGE association; Hall-Hittner syndrome. Identifiers: Orphanet 138, MedGen C0265354, MONDO:0008965.

Submission:

Labcorp Genetics (formerly Invitae), Labcorp
Classification: Uncertain significance for CHARGE syndrome. Last evaluated: 2023-08-02. Review status: criteria provided, single submitter. Criteria: Invitae Variant Classification Sherloc (09022015). Collection method: clinical testing. Allele origin: germline.
Comment: This variant has not been reported in the literature in individuals affected with CHD7-related conditions. An algorithm developed to predict the effect of missense changes on protein structure and function (PolyPhen-2) suggests that this variant is likely to be disruptive. In summary, the available evidence is currently insufficient to determine the role of this variant in disease. Therefore, it has been classified as a Variant of Uncertain Significance. Information on the frequency of this variant in the gnomAD database is not available, as this variant may be reported differently in the database. This sequence change replaces glutamic acid, which is acidic and polar, with arginine, which is basic and polar, at codon 919 of the CHD7 protein (p.Glu919Arg).

NM_017780.4(CHD7):c.2755_2756delinsCG (p.Glu919Arg)

Gene: CHD7 (chromodomain helicase DNA binding protein 7; plus strand). Cytogenetic location: 8q12.2.
Variant type: Indel.
Coding change: c.2755_2756delinsCG on transcript NM_017780.4 (MANE Select); coding-DNA positions 2755 to 2756, GA replaced by CG.
Protein change: p.Glu919Arg; replaces glutamic acid 919 with arginine.
Molecular consequence: missense variant. On other transcripts: intron variant (1).
Genome position (GRCh38, 1-based): chr8:60,821,847-60,821,848, GA replaced by CG. VCF-style: chr8-60821847-GA-CG. GRCh37 (hg19) VCF-style: chr8-61734406-GA-CG.
Other names: c.1717-40382_1717-40381delinsCG (NM_001316690.1); short protein forms E919R.
Identifiers: ClinVar variation 2749449 (VCV002749449.3), dbSNP rs2487804941, ClinGen allele CA2697549934.